The following is an entry in ClinVar:

ClinVar aggregate classification (germline): Benign (1 of 4 stars; one submission).

Allele frequency attached by ClinVar (database versions not stated): 1000 Genomes Project 30x 0.12742; TOPMed 0.12911; gnomAD 0.13023 and 0.13196; 1000 Genomes Project 0.13039.
gnomAD v4.1: 20,157 of 152,122 alleles (13%); highest among the groups gnomAD compares: Middle Eastern, 19%; 1,363 homozygotes.

Submission:

GeneDx
Classification: Benign. Last evaluated: 2018-06-14. Review status: criteria provided, single submitter. Criteria: GeneDx Variant Classification (06012015). Collection method: clinical testing. Allele origin: germline. Affected: yes.
Comment: This variant is considered likely benign or benign based on one or more of the following criteria: it is a conservative change, it occurs at a poorly conserved position in the protein, it is predicted to be benign by multiple in silico algorithms, and/or has population frequency not consistent with disease.

NM_000393.5(COL5A2):c.567+275A>G

Gene: COL5A2 (collagen type V alpha 2 chain; minus strand). Cytogenetic location: 2q32.2.
Variant type: single nucleotide variant.
Coding change: c.567+275A>G on transcript NM_000393.5 (MANE Select); 275 bases into the intron after coding-DNA position 567, A replaced by G.
Molecular consequence: intron variant.
Genome position (GRCh38, 1-based): chr2:189,092,035, T>C on the plus strand (A>G on the coding strand, the complement: COL5A2 is on the minus strand). VCF-style: chr2-189092035-T-C. GRCh37 (hg19) VCF-style: chr2-189956761-T-C.
Identifiers: ClinVar variation 681250 (VCV000681250.1), dbSNP rs72906316, ClinGen allele CA15212656.